The following is an entry in ClinVar:

NM_001165963.4(SCN1A):c.5182G>C (p.Gly1728Arg)

Genes: SCN1A (sodium voltage-gated channel alpha subunit 1; minus strand), LOC102724058 (uncharacterized LOC102724058; plus strand). Cytogenetic location: 2q24.3.
Variant type: single nucleotide variant.
Coding change: c.5182G>C on transcript NM_001165963.4 (MANE Select); coding-DNA position 5182, G replaced by C.
Protein change: p.Gly1728Arg; replaces glycine 1728 with arginine.
Molecular consequence: missense variant. On other transcripts: non-coding transcript variant (1).
Genome position (GRCh38, 1-based): chr2:165,992,093, C>G on the plus strand (G>C on the coding strand, the complement: SCN1A is on the minus strand). VCF-style: chr2-165992093-C-G. GRCh37 (hg19) VCF-style: chr2-166848603-C-G.
Other names: c.5146G>C, p.Gly1716Arg (NM_001353955.2, NM_001353954.2); c.5098G>C, p.Gly1700Arg (NM_001353957.2, NM_001353958.2, NM_001165964.3); c.5095G>C, p.Gly1699Arg (NM_001353960.2); c.2740G>C, p.Gly914Arg (NM_001353961.2); c.5149G>C, p.Gly1717Arg (NM_006920.6, NM_001353949.2, NM_001353950.2 and 2 more transcripts); c.5182G>C, p.Gly1728Arg (NM_001202435.3, NM_001353948.2); short protein forms G1716R, G1699R, G1700R, G914R, G1728R, G1717R.
Identifiers: ClinVar variation 2113228 (VCV002113228.4), dbSNP rs1238612161, ClinGen allele CA349068738.

ClinVar aggregate classification (germline): Pathogenic (1 of 4 stars; one submission).

Conditions:
Early-infantile DEE. Also called: Early infantile epileptic encephalopathy; Ohtahara syndrome; Early infantile epileptic encephalopathy with suppression bursts. Identifiers: Orphanet 1934, MedGen C0393706, MONDO:0800491.

gnomAD v4.1: 1 of 1,613,888 alleles (0.000062%); no homozygotes.

Submission:

Labcorp Genetics (formerly Invitae), Labcorp
Classification: Pathogenic for Early-infantile DEE. Last evaluated: 2024-12-21. Review status: criteria provided, single submitter. Criteria: Invitae Variant Classification Sherloc (09022015). Collection method: clinical testing. Allele origin: germline.
Comment: This sequence change replaces glycine, which is neutral and non-polar, with arginine, which is basic and polar, at codon 1728 of the SCN1A protein (p.Gly1728Arg). This variant is present in population databases (no rsID available, gnomAD no frequency). A different variant (c.5182G>A) giving rise to the same protein effect has been determined to be pathogenic (internal data). This suggests that this variant is also likely to be causative of disease. ClinVar contains an entry for this variant (Variation ID: 2113228). Invitae Evidence Modeling of protein sequence and biophysical properties (such as structural, functional, and spatial information, amino acid conservation, physicochemical variation, residue mobility, and thermodynamic stability) indicates that this missense variant is expected to disrupt SCN1A protein function with a positive predictive value of 95%. This variant disrupts the p.Gly1728 amino acid residue in SCN1A. Other variant(s) that disrupt this residue have been determined to be pathogenic (PMID: 30619928). This suggests that this residue is clinically significant, and that variants that disrupt this residue are likely to be disease-causing. For these reasons, this variant has been classified as Pathogenic.

Literature cited by the submitters: PubMed 30619928.